The following is an entry in ClinVar:

ClinVar aggregate classification (germline): Uncertain significance. Review status: criteria provided, multiple submitters, no conflicts (2 of 4 stars). 2 submissions from 2 submitters: Uncertain significance (2). Last evaluated 2026-08-01.

Allele frequency attached by ClinVar (database versions not stated): ExAC 0.00001; gnomAD exomes 0.00001; gnomAD 0.00002; TOPMed 0.00004.
gnomAD v4.1: 20 of 1,614,016 alleles (0.0012%); highest among the groups gnomAD compares: African/African-American, 0.0053%; no homozygotes.

Submissions (2):

CeGaT Center for Human Genetics Tuebingen
Classification: Uncertain significance. Last evaluated: 2026-08-01. Review status: criteria provided, single submitter. Criteria: CeGaT Center For Human Genetics Tuebingen Variant Classification Criteria Version 2. Collection method: clinical testing. Allele origin: germline. Affected: yes. Observed: 1 variant allele.
Comment: TMIE: PM2, PP3

Labcorp Genetics (formerly Invitae), Labcorp
Classification: Uncertain significance. Last evaluated: 2023-02-08. Review status: criteria provided, single submitter. Criteria: Invitae Variant Classification Sherloc (09022015). Collection method: clinical testing. Allele origin: germline.
Comment: In summary, the available evidence is currently insufficient to determine the role of this variant in disease. Therefore, it has been classified as a Variant of Uncertain Significance. This sequence change replaces arginine, which is basic and polar, with glutamine, which is neutral and polar, at codon 84 of the TMIE protein (p.Arg84Gln). This variant is present in population databases (rs397517866, gnomAD 0.007%). This variant has not been reported in the literature in individuals affected with TMIE-related conditions. Algorithms developed to predict the effect of missense changes on protein structure and function (SIFT, PolyPhen-2, Align-GVGD) all suggest that this variant is likely to be disruptive. Algorithms developed to predict the effect of sequence changes on RNA splicing suggest that this variant may create or strengthen a splice site. This variant disrupts the p.Arg84 amino acid residue in TMIE. Other variant(s) that disrupt this residue have been determined to be pathogenic (PMID: 33713422). This suggests that this residue is clinically significant, and that variants that disrupt this residue are likely to be disease-causing.

Literature cited by the submitters: PubMed 33713422 (cited by Labcorp Genetics (formerly Invitae), Labcorp).

NM_147196.3(TMIE):c.251G>A (p.Arg84Gln)

Gene: TMIE (transmembrane inner ear; plus strand). Cytogenetic location: 3p21.31.
Variant type: single nucleotide variant.
Coding change: c.251G>A on transcript NM_147196.3 (MANE Select); coding-DNA position 251, G replaced by A.
Protein change: p.Arg84Gln; replaces arginine 84 with glutamine.
Molecular consequence: missense variant.
Genome position (GRCh38, 1-based): chr3:46,709,165, G>A. VCF-style: chr3-46709165-G-A. GRCh37 (hg19) VCF-style: chr3-46750655-G-A.
Other names: c.92G>A, p.Arg31Gln (NM_001370524.1, NM_001370525.1); short protein forms R84Q, R31Q.
Identifiers: ClinVar variation 2981694 (VCV002981694.4), dbSNP rs397517866, ClinGen allele CA2357973.